The following is an entry in ClinVar:

ClinVar aggregate classification (germline): Uncertain significance. Review status: criteria provided, multiple submitters, no conflicts (2 of 4 stars). 2 submissions from 2 submitters: Uncertain significance (2). Last evaluated 2022-07-04.

Conditions:
Atrioventricular septal defect 4 (AVSD4). Identifiers: MedGen C3280781, MONDO:0013747, OMIM 614430.

Allele frequency attached by ClinVar (database versions not stated): gnomAD exomes below 0.00001.

Submissions (2):

Labcorp Genetics (formerly Invitae), Labcorp
Classification: Uncertain significance for Atrioventricular septal defect 4. Last evaluated: 2022-07-04. Review status: criteria provided, single submitter. Criteria: Invitae Variant Classification Sherloc (09022015). Collection method: clinical testing. Allele origin: germline.
Comment: In summary, the available evidence is currently insufficient to determine the role of this variant in disease. Therefore, it has been classified as a Variant of Uncertain Significance. Experimental studies have shown that this missense change does not substantially affect GATA4 function (PMID: 29670578). Algorithms developed to predict the effect of missense changes on protein structure and function are either unavailable or do not agree on the potential impact of this missense change (SIFT: "Deleterious"; PolyPhen-2: "Probably Damaging"; Align-GVGD: "Class C0"). ClinVar contains an entry for this variant (Variation ID: 1678289). This variant has not been reported in the literature in individuals affected with GATA4-related conditions. This variant is not present in population databases (gnomAD no frequency). This sequence change replaces proline, which is neutral and non-polar, with leucine, which is neutral and non-polar, at codon 226 of the GATA4 protein (p.Pro226Leu).

AiLife Diagnostics
Classification: Uncertain significance. Last evaluated: 2020-07-08. Review status: criteria provided, single submitter. Criteria: ACMG Guidelines, 2015. Collection method: clinical testing. Allele origin: germline. Affected: yes. Observed: 1 variant allele.

Literature cited by the submitters: PubMed 29670578 (cited by Labcorp Genetics (formerly Invitae), Labcorp and AiLife Diagnostics).

NM_001308093.3(GATA4):c.680C>T (p.Pro227Leu)

Gene: GATA4 (GATA binding protein 4). Cytogenetic location: 8p23.1.
Variant type: single nucleotide variant.
Coding change: c.680C>T on transcript NM_001308093.3 (MANE Select); coding-DNA position 680, C replaced by T.
Protein change: p.Pro227Leu; replaces proline 227 with leucine.
Molecular consequence: missense variant.
Genome position (GRCh38, 1-based): chr8:11,748,979, C>T. VCF-style: chr8-11748979-C-T. GRCh37 (hg19) VCF-style: chr8-11606488-C-T.
Other names: c.59C>T, p.Pro20Leu (NM_001308094.2, NM_001374273.1, NM_001374274.1); c.677C>T, p.Pro226Leu (NM_002052.5); short protein forms P20L, P226L, P227L.
Identifiers: ClinVar variation 1678289 (VCV001678289.6), dbSNP rs2130306950, ClinGen allele CA370312659.